The following is an entry in ClinVar:

NM_004168.4(SDHA):c.986G>A (p.Arg329Gln)

Gene: SDHA (succinate dehydrogenase complex flavoprotein subunit A; plus strand). Cytogenetic location: 5p15.33.
Variant type: single nucleotide variant.
Coding change: c.986G>A on transcript NM_004168.4 (MANE Select); coding-DNA position 986, G replaced by A.
Protein change: p.Arg329Gln; replaces arginine 329 with glutamine.
Molecular consequence: missense variant.
Genome position (GRCh38, 1-based): chr5:233,567, G>A. VCF-style: chr5-233567-G-A. GRCh37 (hg19) VCF-style: chr5-233682-G-A.
Other names: c.842G>A, p.Arg281Gln (NM_001294332.2); c.986G>A, p.Arg329Gln (NM_001330758.2); short protein forms R329Q, R281Q.
Identifiers: ClinVar variation 569615 (VCV000569615.22), dbSNP rs138265892, ClinGen allele CA3173056.

ClinVar aggregate classification (germline): Uncertain significance. Review status: criteria provided, multiple submitters, no conflicts (2 of 4 stars). 3 submissions from 3 submitters: Uncertain significance (3). Last evaluated 2026-01-25.

Conditions:
Mitochondrial complex II deficiency, nuclear type 1. Also called: SUCCINATE CoQ REDUCTASE DEFICIENCY. Identifiers: Orphanet 3208, MedGen C5700310, MONDO:0100294, OMIM 252011.
Pheochromocytoma/paraganglioma syndrome 5. Also called: Paragangliomas 5; SDHA-Related Hereditary Paraganglioma-Pheochromocytoma Syndrome. Identifiers: Orphanet 29072, MedGen C3279992, MONDO:0013602, OMIM 614165.
Hereditary cancer-predisposing syndrome. Also called: Neoplastic Syndromes, Hereditary; Tumor predisposition; Hereditary neoplastic syndrome; Hereditary Cancer Syndrome. Identifiers: Orphanet 140162, MedGen C0027672, MeSH D009386, MONDO:0015356.

Allele frequency attached by ClinVar (database versions not stated): gnomAD 0.00001; gnomAD exomes 0.00001 and 0.00002; ExAC 0.00003; ESP Exome Variant Server 0.00023.
gnomAD v4.1: 18 of 1,614,062 alleles (0.0011%); highest among the groups gnomAD compares: Admixed American, 0.0017%; no homozygotes.

Submissions (3):

Labcorp Genetics (formerly Invitae), Labcorp
Classification: Uncertain significance for Pheochromocytoma/paraganglioma syndrome 5; Mitochondrial complex II deficiency, nuclear type 1. Last evaluated: 2026-01-25. Review status: criteria provided, single submitter. Criteria: Invitae Variant Classification Sherloc (09022015). Collection method: clinical testing. Allele origin: germline.
Comment: This sequence change replaces arginine, which is basic and polar, with glutamine, which is neutral and polar, at codon 329 of the SDHA protein (p.Arg329Gln). This variant is present in population databases (rs138265892, gnomAD 0.01%). This variant has not been reported in the literature in individuals affected with SDHA-related conditions. ClinVar contains an entry for this variant (Variation ID: 569615). Invitae Evidence Modeling of protein sequence and biophysical properties (such as structural, functional, and spatial information, amino acid conservation, physicochemical variation, residue mobility, and thermodynamic stability) indicates that this missense variant is not expected to disrupt SDHA protein function with a negative predictive value of 95%. In summary, the available evidence is currently insufficient to determine the role of this variant in disease. Therefore, it has been classified as a Variant of Uncertain Significance.

Ambry Genetics
Classification: Uncertain significance for Hereditary cancer-predisposing syndrome. Last evaluated: 2025-09-19. Review status: criteria provided, single submitter. Criteria: Ambry Variant Classification Scheme 2023. Collection method: clinical testing. Allele origin: germline.
Comment: The p.R329Q variant (also known as c.986G>A), located in coding exon 8 of the SDHA gene, results from a G to A substitution at nucleotide position 986. The arginine at codon 329 is replaced by glutamine, an amino acid with highly similar properties. This amino acid position is highly conserved in available vertebrate species. In addition, the in silico prediction for this alteration is inconclusive. Since supporting evidence is limited at this time, the clinical significance of this alteration remains unclear.

GeneDx
Classification: Uncertain significance. Last evaluated: 2021-01-18. Review status: criteria provided, single submitter. Criteria: GeneDx Variant Classification Process June 2021. Collection method: clinical testing. Allele origin: germline. Affected: yes.
Comment: Not observed at a significant frequency in large population cohorts (Lek et al., 2016); In silico analysis supports that this missense variant has a deleterious effect on protein structure/function; Has not been previously published as pathogenic or benign to our knowledge